The following is an entry in ClinVar:

NM_001379270.1(CNGA1):c.1393G>A (p.Val465Ile)

Genes: CNGA1 (cyclic nucleotide gated channel subunit alpha 1; minus strand), LOC101927157 (uncharacterized LOC101927157; plus strand). Cytogenetic location: 4p12.
Variant type: single nucleotide variant.
Coding change: c.1393G>A on transcript NM_001379270.1 (MANE Select); coding-DNA position 1393, G replaced by A.
Protein change: p.Val465Ile; replaces valine 465 with isoleucine.
Molecular consequence: missense variant.
Genome position (GRCh38, 1-based): chr4:47,937,089, C>T on the plus strand (G>A on the coding strand, the complement: CNGA1 is on the minus strand). VCF-style: chr4-47937089-C-T. GRCh37 (hg19) VCF-style: chr4-47939106-C-T.
Other names: c.1393G>A, p.Val465Ile (NM_000087.5, NM_001142564.2); short protein forms V465I.
Identifiers: ClinVar variation 1500044 (VCV001500044.3), dbSNP rs983435442, ClinGen allele CA356825866.
Genomic context (GRCh38, chr4:47,937,089, plus strand): 5'-CCAACAGACCAGCTTCACAATCAGCAAAAATGCGTACCTTTTTTAATGTGTCTAAGTGAA[C>T]GTTGATGGCAATTTCTGCTCTTAGTTTATCAGGTAGATACTTTAAGACTTCTTTCTCATC-3'
Protein context (NP_001366199.1, residues 455-475): DKLRAEIAIN[Val465Ile]HLDTLKKVRI

ClinVar aggregate classification (germline): Uncertain significance (1 of 4 stars; one submission).

gnomAD v4.1: 4 of 1,614,158 alleles (0.00025%); highest among the groups gnomAD compares: East Asian, 0.0022%; no homozygotes.

Submission:

Labcorp Genetics (formerly Invitae), Labcorp
Classification: Uncertain significance. Last evaluated: 2022-09-27. Review status: criteria provided, single submitter. Criteria: Invitae Variant Classification Sherloc (09022015). Collection method: clinical testing. Allele origin: germline.
Comment: This sequence change replaces valine, which is neutral and non-polar, with isoleucine, which is neutral and non-polar, at codon 469 of the CNGA1 protein (p.Val469Ile). This variant is present in population databases (no rsID available, gnomAD no frequency). This variant has not been reported in the literature in individuals affected with CNGA1-related conditions. ClinVar contains an entry for this variant (Variation ID: 1500044). Algorithms developed to predict the effect of missense changes on protein structure and function (SIFT, PolyPhen-2, Align-GVGD) all suggest that this variant is likely to be disruptive. In summary, the available evidence is currently insufficient to determine the role of this variant in disease. Therefore, it has been classified as a Variant of Uncertain Significance.